The following is an entry in ClinVar:

NM_000038.6(APC):c.3793G>C (p.Glu1265Gln)

Gene: APC (APC regulator of Wnt signaling pathway; plus strand). Cytogenetic location: 5q22.2.
Variant type: single nucleotide variant.
Coding change: c.3793G>C on transcript NM_000038.6 (MANE Select); coding-DNA position 3793, G replaced by C.
Protein change: p.Glu1265Gln; replaces glutamic acid 1265 with glutamine.
Molecular consequence: missense variant. On other transcripts: non-coding transcript variant (2).
Genome position (GRCh38, 1-based): chr5:112,839,387, G>C. VCF-style: chr5-112839387-G-C. GRCh37 (hg19) VCF-style: chr5-112175084-G-C.
Other names: c.3313G>C, p.Glu1105Gln (NM_001354905.2); c.2944G>C, p.Glu982Gln (NM_001354906.2, NM_001407470.1); c.3877G>C, p.Glu1293Gln (NM_001407446.1); c.3847G>C, p.Glu1283Gln (NM_001407447.1, NM_001407448.1, NM_001407449.1 and 1 more transcripts); c.3793G>C, p.Glu1265Gln (NM_001407450.1, NM_001354895.2, NM_001127510.3); c.3772G>C, p.Glu1258Gln (NM_001407451.1); c.3763G>C, p.Glu1255Gln (NM_001407452.1); c.3616G>C, p.Glu1206Gln (NM_001407453.1, NM_001354901.2); and 11 more; short protein forms E1237Q, E1240Q, E1283Q, E982Q, E1105Q, E1139Q, E1164Q, E1174Q.
Identifiers: ClinVar variation 4120390 (VCV004120390.1).

ClinVar aggregate classification (germline): Uncertain significance (1 of 4 stars; one submission).

Conditions:
Hereditary cancer-predisposing syndrome. Also called: Hereditary neoplastic syndrome; Neoplastic Syndromes, Hereditary; Tumor predisposition; Hereditary Cancer Syndrome. Identifiers: Orphanet 140162, MedGen C0027672, MeSH D009386, MONDO:0015356.

gnomAD v4.1: 1 of 1,614,112 alleles (0.000062%); highest among the groups gnomAD compares: Non-Finnish European, 0.000085%; no homozygotes.

Submission:

Ambry Genetics
Classification: Uncertain significance for Hereditary cancer-predisposing syndrome. Last evaluated: 2025-06-15. Review status: criteria provided, single submitter. Criteria: Ambry Variant Classification Scheme 2023. Collection method: clinical testing. Allele origin: germline.
Comment: The p.E1265Q variant (also known as c.3793G>C), located in coding exon 15 of the APC gene, results from a G to C substitution at nucleotide position 3793. The glutamic acid at codon 1265 is replaced by glutamine, an amino acid with highly similar properties. This amino acid position is conserved. In addition, in silico predictors for this gene do not accurately predict pathogenicity. Based on the available evidence, the clinical significance of this variant remains unclear.